The following is an entry in ClinVar:

ClinVar aggregate classification (germline): Uncertain significance. Review status: criteria provided, multiple submitters, no conflicts (2 of 4 stars). 2 submissions from 2 submitters: Uncertain significance (2). Last evaluated 2024-09-23.

Submissions (2):

Athena Diagnostics
Classification: Uncertain significance. Last evaluated: 2024-09-23. Review status: criteria provided, single submitter. Criteria: Athena Diagnostics Criteria. Collection method: clinical testing. Allele origin: unknown.
Comment: Available data are insufficient to determine the clinical significance of the variant at this time. This variant has not been reported in large, multi-ethnic general populations. Polyphen and MutationTaster predict this amino acid change may be damaging to the protein.

CeGaT Center for Human Genetics Tuebingen
Classification: Uncertain significance. Last evaluated: 2020-07-01. Review status: criteria provided, single submitter. Criteria: CeGaT Center For Human Genetics Tuebingen Variant Classification Criteria Version 2. Collection method: clinical testing. Allele origin: germline. Affected: yes. Observed: 1 variant allele.

NM_001165963.4(SCN1A):c.5717T>C (p.Ile1906Thr)

Genes: SCN1A (sodium voltage-gated channel alpha subunit 1; minus strand), LOC102724058 (uncharacterized LOC102724058; plus strand). Cytogenetic location: 2q24.3.
Variant type: single nucleotide variant.
Coding change: c.5717T>C on transcript NM_001165963.4 (MANE Select); coding-DNA position 5717, T replaced by C.
Protein change: p.Ile1906Thr; replaces isoleucine 1906 with threonine.
Molecular consequence: missense variant. On other transcripts: non-coding transcript variant (1).
Genome position (GRCh38, 1-based): chr2:165,991,558, A>G on the plus strand (T>C on the coding strand, the complement: SCN1A is on the minus strand). VCF-style: chr2-165991558-A-G. GRCh37 (hg19) VCF-style: chr2-166848068-A-G.
Other names: c.5633T>C, p.Ile1878Thr (NM_001165964.3, NM_001353957.2, NM_001353958.2); c.5717T>C, p.Ile1906Thr (NM_001202435.3, NM_001353948.2); c.5684T>C, p.Ile1895Thr (NM_001353949.2, NM_001353950.2, NM_001353951.2 and 2 more transcripts); c.5681T>C, p.Ile1894Thr (NM_001353954.2, NM_001353955.2); c.5630T>C, p.Ile1877Thr (NM_001353960.2); c.3275T>C, p.Ile1092Thr (NM_001353961.2); c.5717T>C (NM_001202435.1); short protein forms I1092T, I1877T, I1878T, I1894T, I1895T, I1906T.
Identifiers: ClinVar variation 1012959 (VCV001012959.39), dbSNP rs1689150507, ClinGen allele CA349064519.